The following is an entry in ClinVar:

ClinVar aggregate classification (germline): Likely benign (1 of 4 stars; one submission).

Allele frequency attached by ClinVar (database versions not stated): ExAC 0.00002.
gnomAD v4.1: 33 of 1,585,122 alleles (0.0021%); highest among the groups gnomAD compares: Middle Eastern, 0.022%; no homozygotes.

Submission:

CeGaT Center for Human Genetics Tuebingen
Classification: Likely benign. Last evaluated: 2022-04-01. Review status: criteria provided, single submitter. Criteria: CeGaT Center For Human Genetics Tuebingen Variant Classification Criteria Version 2. Collection method: clinical testing. Allele origin: germline. Affected: yes. Observed: 1 variant allele.
Comment: NBPF10: BP4, BP7

NM_001302371.3(NBPF10):c.1962G>A (p.Gln654=)

Gene: NBPF10 (NBPF member 10; minus strand). Cytogenetic location: 1q21.1.
Variant type: single nucleotide variant.
Coding change: c.1962G>A on transcript NM_001302371.3 (MANE Select); coding-DNA position 1962, G replaced by A.
Protein change: p.Gln654=; no amino-acid change (glutamine 654 retained).
Molecular consequence: synonymous variant.
Genome position (GRCh38, 1-based): chr1:146,126,300, C>T on the plus strand (G>A on the coding strand, the complement: NBPF10 is on the minus strand). VCF-style: chr1-146126300-C-T. GRCh37 (hg19) VCF-style: chr1-145311894-G-A.
Other names: c.1962G>A, p.Gln654= (NM_001039703.6).
Identifiers: ClinVar variation 2639091 (VCV002639091.24), dbSNP rs782443316, ClinGen allele CA1052038.